The following is an entry in ClinVar:

ClinVar aggregate classification (germline): Uncertain significance. Review status: criteria provided, multiple submitters, no conflicts (2 of 4 stars). 2 submissions from 2 submitters: Uncertain significance (2). Last evaluated 2024-08-08.

Submissions (2):

Labcorp Genetics (formerly Invitae), Labcorp
Classification: Uncertain significance. Last evaluated: 2024-08-08. Review status: criteria provided, single submitter. Criteria: Invitae Variant Classification Sherloc (09022015). Collection method: clinical testing. Allele origin: germline.
Comment: This sequence change replaces arginine, which is basic and polar, with histidine, which is basic and polar, at codon 616 of the EIF2B5 protein (p.Arg616His). This variant is present in population databases (rs373491734, gnomAD 0.008%). This variant has not been reported in the literature in individuals affected with EIF2B5-related conditions. Advanced modeling of protein sequence and biophysical properties (such as structural, functional, and spatial information, amino acid conservation, physicochemical variation, residue mobility, and thermodynamic stability) performed at Invitae indicates that this missense variant is not expected to disrupt EIF2B5 protein function with a negative predictive value of 80%. In summary, the available evidence is currently insufficient to determine the role of this variant in disease. Therefore, it has been classified as a Variant of Uncertain Significance.

Blueprint Genetics
Classification: Uncertain significance. Last evaluated: 2021-04-27. Review status: criteria provided, single submitter. Criteria: ACMG Guidelines, 2015. Collection method: clinical testing. Allele origin: germline.

NM_003907.3(EIF2B5):c.1847G>A (p.Arg616His)

Gene: EIF2B5 (eukaryotic translation initiation factor 2B subunit epsilon; plus strand). Cytogenetic location: 3q27.1.
Variant type: single nucleotide variant.
Coding change: c.1847G>A on transcript NM_003907.3 (MANE Select); coding-DNA position 1847, G replaced by A.
Protein change: p.Arg616His; replaces arginine 616 with histidine.
Molecular consequence: missense variant.
Genome position (GRCh38, 1-based): chr3:184,143,543, G>A. VCF-style: chr3-184143543-G-A. GRCh37 (hg19) VCF-style: chr3-183861331-G-A.
Other names: short protein forms R616H.
Identifiers: ClinVar variation 3673115 (VCV003673115.2).